The following is an entry in ClinVar:

ClinVar aggregate classification (germline): Uncertain significance (1 of 4 stars; one submission).

Conditions:
Lynch syndrome 5 (LYNCH5). Also called: Hereditary non-polyposis colorectal cancer, type 5; Colorectal cancer, hereditary nonpolyposis, type 5. Identifiers: Orphanet 144, MedGen C1833477, MONDO:0013710, OMIM 614350. Disease mechanism: loss of function.
Mismatch repair cancer syndrome 3. Identifiers: MedGen C5436807, MONDO:0030841, OMIM 619097.

Submission:

Otogenetics
Classification: Uncertain significance for Lynch syndrome 5; Mismatch repair cancer syndrome 3. Last evaluated: 2026-04-23. Review status: criteria provided, single submitter. Criteria: ACMG Guidelines, 2015. Collection method: clinical testing. Allele origin: germline.
Comment: PM2: Variant not observed in gnomAD (<0.05% threshold)

NM_000179.3(MSH6):c.1160A>G (p.Asp387Gly)

Gene: MSH6 (mutS homolog 6; plus strand). Cytogenetic location: 2p16.3.
Variant type: single nucleotide variant.
Coding change: c.1160A>G on transcript NM_000179.3 (MANE Select); coding-DNA position 1160, A replaced by G.
Protein change: p.Asp387Gly; replaces aspartic acid 387 with glycine.
Molecular consequence: missense variant. On other transcripts: non-coding transcript variant (4), intron variant (1).
Genome position (GRCh38, 1-based): chr2:47,799,143, A>G. VCF-style: chr2-47799143-A-G. GRCh37 (hg19) VCF-style: chr2-48026282-A-G.
Other names: c.770A>G, p.Asp257Gly (NM_001281492.2); c.254A>G, p.Asp85Gly (NM_001281493.2, NM_001281494.2, NM_001406823.1 and 6 more transcripts); c.1256A>G, p.Asp419Gly (NM_001406795.1, NM_001406802.1); c.1160A>G, p.Asp387Gly (NM_001406796.1, NM_001406798.1, NM_001406800.1 and 4 more transcripts); c.863A>G, p.Asp288Gly (NM_001406797.1, NM_001406801.1, NM_001406805.1 and 10 more transcripts); c.635A>G, p.Asp212Gly (NM_001406799.1, NM_001406806.1, NM_001406807.1); c.1082A>G, p.Asp361Gly (NM_001406804.1); c.1166A>G, p.Asp389Gly (NM_001406813.1); and 2 more; short protein forms D212G, D257G, D288G, D331G, D361G, D387G, D389G, D419G.
Identifiers: ClinVar variation 4852107 (VCV004852107.1).